The following is an entry in ClinVar:

ClinVar aggregate classification (germline): Uncertain significance. Review status: criteria provided, multiple submitters, no conflicts (2 of 4 stars). 16 submissions from 16 submitters: Uncertain significance (11). 5 of the submissions do not count toward it. Last evaluated 2025-10-13.

Conditions:
Autoinflammatory syndrome. Identifiers: Orphanet 93665, MedGen C3890737, MONDO:0019751.
Familial Mediterranean fever, autosomal dominant. Also called: FMF, AUTOSOMAL DOMINANT; Dominant Familial Mediterranean Fever. Identifiers: Orphanet 342, MedGen C1851347, MONDO:0007601, OMIM 134610.
Familial Mediterranean fever (FMF). Also called: Periodic peritonitis; Benign paroxysmal peritonitis; POLYSEROSITIS, FAMILIAL PAROXYSMAL; POLYSEROSITIS, RECURRENT. Identifiers: Orphanet 342, MedGen C0031069, MONDO:0018088, OMIM 249100. Disease mechanism: gain of function.
Acute febrile neutrophilic dermatosis (AFND). Also called: Sweet Syndrome; Gomm Button disease. Identifiers: Orphanet 3243, MedGen C0085077, MONDO:0011959, OMIM 608068.
MEFV-related disorder. Also called: MEFV-related disorders; MEFV-related condition.

Allele frequency attached by ClinVar (database versions not stated): gnomAD 0.00016; gnomAD exomes 0.00019 and 0.00022; 1000 Genomes Project 0.00020; ESP Exome Variant Server 0.00023; TOPMed 0.00014; ExAC 0.00019; 1000 Genomes Project 30x 0.00016.
gnomAD v4.1: 343 of 1,613,006 alleles (0.021%); highest among the groups gnomAD compares: Middle Eastern, 0.033%; no homozygotes.

Submissions (16):

Women's Health and Genetics/Laboratory Corporation of America, LabCorp
Classification: Uncertain significance. Last evaluated: 2025-10-13. Review status: criteria provided, single submitter. Criteria: LabCorp Variant Classification Summary - May 2015. Collection method: clinical testing. Allele origin: germline.
Comment: Variant summary: MEFV c.1016C>T (p.Ser339Phe) results in a non-conservative amino acid change in the encoded protein sequence. Algorithms developed to predict the effect of missense changes on protein structure and function are either unavailable or do not agree on the potential impact of this missense change. The variant allele was found at a frequency of 0.00019 in 248014 control chromosomes. This frequency is not significantly higher than estimated for disease-causing variants in MEFV, allowing no conclusion about variant significance. c.1016C>T has been observed at a compound heterozygous state in individuals affected with Familial Mediterranean Fever (Berdeli_2012, Lainka_2012, Federici_2012, Stella_2019), at a heterozygous state in one individual with Familial Mediterranean Fever (Stranneheim_2021) and pericarditis (Imazio_2024), and was also at a homozygous state in an individual unafffected with FMF (Stella_2019). These report(s) do not provide unequivocal conclusions about association of the variant with Familial Mediterranean Fever and other MEFV-related conditions. To our knowledge, no experimental evidence demonstrating an impact on protein function has been reported. The following publications have been ascertained in the context of this evaluation (PMID: 22580583, 39347728, 22903357, 30476289, 33726816). ClinVar contains an entry for this variant (Variation ID: 36497). Based on the evidence outlined above, the variant was classified as uncertain significance.

ARUP Laboratories, Molecular Genetics and Genomics, ARUP Laboratories
Classification: Uncertain significance. Last evaluated: 2025-05-19. Review status: criteria provided, single submitter. Criteria: ARUP Molecular Germline Variant Investigation Process 2024. Collection method: clinical testing. Allele origin: germline.
Comment: The MEFV c.1016C>T; p.Ser339Phe variant (rs104895157, ClinVar Variation ID: 36497) has been described in the heterozygous state in individuals affected with familial Mediterranean fever (FMF) and in the compound heterozygous state with a pathogenic variant (Balta 2020, Berdeli 2011, Federici 2012, Lainka 2012, Stella 2019). This variant has also been reported in an unaffected individual in the homozygous state (Stella 2019). This variant is found in the general population with an overall allele frequency of 0.02% (50/279412 alleles) in the Genome Aggregation Database (v2.1.1).. Computational analyses are uncertain whether this variant is neutral or deleterious (REVEL: 0.272). Due to conflicting information, the clinical significance of this variant is uncertain at this time. References: Balta B et al. A comprehensive molecular analysis and genotype-phenotype correlation in patients with familial mediterranean fever. Mol Biol Rep. 2020 Mar;47(3):1835-1843. PMID: 31989427. Berdeli A et al. Comprehensive analysis of a large-scale screen for MEFV gene mutations: do they truly provide a "heterozygote advantage" in Turkey? Genet Test Mol Biomarkers. 2011 Jul-Aug;15(7-8):475-82. PMID: 21413889. Federici S et al. Clinical impact of MEFV mutations in children with periodic fever in a prevalent western European Caucasian population. Ann Rheum Dis. 2012 Dec;71(12):1961-5. PMID: 22580583. Lainka E et al. Familial Mediterranean fever in Germany: epidemiological, clinical, and genetic characteristics of a pediatric population. Eur J Pediatr. 2012 Dec;171(12):1775-85. PMID: 22903357. Stella A et al. Familial Mediterranean fever: breaking all the (genetic) rules. Rheumatology (Oxford). 2019 Mar 1;58(3):463-467. PMID: 30476289.

Fulgent Genetics
Classification: Uncertain significance for Familial Mediterranean fever, autosomal dominant; Familial Mediterranean fever; Acute febrile neutrophilic dermatosis. Last evaluated: 2024-04-21. Review status: criteria provided, single submitter. Criteria: ACMG Guidelines, 2015. Collection method: clinical testing. Allele origin: germline.

Baylor Genetics
Classification: Uncertain significance for Familial Mediterranean fever, autosomal dominant. Last evaluated: 2024-03-27. Review status: criteria provided, single submitter. Criteria: ACMG Guidelines, 2015. Collection method: clinical testing. Allele origin: unknown.

Clinical Genetics and Genomics, Karolinska University Hospital
Classification: Uncertain significance. Last evaluated: 2024-01-26. Review status: criteria provided, single submitter. Criteria: ACMG Guidelines, 2015. Collection method: clinical testing. Allele origin: germline. Affected: yes. Observed: 1 variant allele.

Labcorp Genetics (formerly Invitae), Labcorp
Classification: Uncertain significance for Familial Mediterranean fever. Last evaluated: 2022-10-25. Review status: criteria provided, single submitter. Criteria: Invitae Variant Classification Sherloc (09022015). Collection method: clinical testing. Allele origin: germline.
Comment: This sequence change replaces serine, which is neutral and polar, with phenylalanine, which is neutral and non-polar, at codon 339 of the MEFV protein (p.Ser339Phe). This variant is present in population databases (rs104895157, gnomAD 0.06%). This missense change has been observed in individual(s) with familial Mediterranean fever (PMID: 21413889, 22580583, 22903357, 31989427). ClinVar contains an entry for this variant (Variation ID: 36497). Algorithms developed to predict the effect of missense changes on protein structure and function are either unavailable or do not agree on the potential impact of this missense change (SIFT: "Deleterious"; PolyPhen-2: "Probably Damaging"; Align-GVGD: "Class C0"). In summary, the available evidence is currently insufficient to determine the role of this variant in disease. Therefore, it has been classified as a Variant of Uncertain Significance.

Department of Pathology and Laboratory Medicine, Sinai Health System
Classification: Uncertain significance for Familial Mediterranean fever, autosomal dominant; Familial Mediterranean fever; Acute febrile neutrophilic dermatosis. Last evaluated: 2022-05-17. Review status: criteria provided, single submitter. Criteria: ACMG Guidelines, 2015. Collection method: research. Allele origin: germline.

Genome-Nilou Lab
Classification: Uncertain significance for Familial Mediterranean fever. Last evaluated: 2021-07-14. Review status: criteria provided, single submitter. Criteria: ACMG Guidelines, 2015. Collection method: clinical testing. Allele origin: germline. Affected: no.

GeneDx
Classification: Uncertain significance. Last evaluated: 2021-02-09. Review status: criteria provided, single submitter. Criteria: GeneDx Variant Classification Process June 2021. Collection method: clinical testing. Allele origin: germline. Affected: yes.
Comment: Reported in a patient with periodic fever in published literature (Federici et al., 2012); In silico analysis supports that this missense variant has a deleterious effect on protein structure/function; This variant is associated with the following publications: (PMID: 22580583, 28421071, 30476289, 26247045)

Genome Diagnostics Laboratory, The Hospital for Sick Children
Classification: Uncertain significance for Autoinflammatory syndrome. Last evaluated: 2018-07-01. Review status: criteria provided, single submitter. Criteria: ACMG Guidelines, 2015. Collection method: clinical testing. Allele origin: germline. Affected: yes.

Illumina Laboratory Services, Illumina
Classification: Uncertain significance for Familial Mediterranean fever. Last evaluated: 2017-06-14. Review status: criteria provided, single submitter. Criteria: ICSL Variant Classification Criteria 13 December 2019. Collection method: clinical testing. Allele origin: germline.
Comment: This variant was observed as part of a predisposition screen in an ostensibly healthy population. A literature search was performed for the gene, cDNA change, and amino acid change (where applicable). Publications were found based on this search. However, the evidence from the literature, in combination with allele frequency data from public databases where available, was not sufficient to rule this variant in or out of causing disease. Therefore, this variant is classified as a variant of unknown significance.

PreventionGenetics, part of Exact Sciences
Classification: Uncertain significance for MEFV-related condition. Last evaluated: 2024-07-18. Review status: no assertion criteria provided. Collection method: clinical testing. Allele origin: germline. Not counted in ClinVar's aggregate classification.
Comment: The MEFV c.1016C>T variant is predicted to result in the amino acid substitution p.Ser339Phe. This variant has been reported the heterozygous and compound heterozygous states in multiple individuals with familial Mediterranean fever (Berdeli et al. 2011. PubMed ID: 21413889; Balta et al. 2020. PubMed ID: 31989427; Lainka et al. 2012. PubMed ID: 22903357; Federici et al. 2012. PubMed ID: 22580583). This variant is reported in 0.049% of alleles in individuals of Ashkenazi Jewish descent in gnomAD. At this time, the clinical significance of this variant is uncertain due to the absence of conclusive functional and genetic evidence.

Natera, Inc.
Classification: Uncertain significance for Familial Mediterranean fever. Last evaluated: 2020-09-16. Review status: no assertion criteria provided. Collection method: clinical testing. Allele origin: germline. Not counted in ClinVar's aggregate classification.

Genome Diagnostics Laboratory, University Medical Center Utrecht
Classification: Uncertain significance. Review status: no assertion criteria provided. Collection method: clinical testing. Allele origin: germline. Affected: yes. Study: VKGL Data-share Consensus. Not counted in ClinVar's aggregate classification.

Joint Genome Diagnostic Labs from Nijmegen and Maastricht, Radboudumc and MUMC+
Classification: Uncertain significance. Review status: no assertion criteria provided. Collection method: clinical testing. Allele origin: germline. Affected: yes. Study: VKGL Data-share Consensus. Not counted in ClinVar's aggregate classification.

Unité médicale des maladies autoinflammatoires, CHRU Montpellier
No classification provided. Condition: Familial Mediterranean fever. Review status: no classification provided. Collection method: not provided. Allele origin: unknown. Not counted in ClinVar's aggregate classification.

Literature cited by the submitters: PubMed 22903357 (cited by 3 submitters); PubMed 22580583 (cited by 3 submitters); PubMed 30476289 (cited by Women's Health and Genetics/Laboratory Corporation of America, LabCorp); PubMed 33726816 (cited by Women's Health and Genetics/Laboratory Corporation of America, LabCorp); PubMed 39347728 (cited by Women's Health and Genetics/Laboratory Corporation of America, LabCorp); PubMed 21413889 (cited by Labcorp Genetics (formerly Invitae), Labcorp); PubMed 31989427 (cited by Labcorp Genetics (formerly Invitae), Labcorp); PubMed 26247045 (cited by Illumina Laboratory Services, Illumina); PubMed 28421071 (cited by Illumina Laboratory Services, Illumina).

NM_000243.3(MEFV):c.1016C>T (p.Ser339Phe)

Gene: MEFV (MEFV innate immunity regulator, pyrin; minus strand). Cytogenetic location: 16p13.3.
Variant type: single nucleotide variant.
Coding change: c.1016C>T on transcript NM_000243.3 (MANE Select); coding-DNA position 1016, C replaced by T.
Protein change: p.Ser339Phe; replaces serine 339 with phenylalanine.
Molecular consequence: missense variant.
Genome position (GRCh38, 1-based): chr16:3,249,675, G>A on the plus strand (C>T on the coding strand, the complement: MEFV is on the minus strand). VCF-style: chr16-3249675-G-A. GRCh37 (hg19) VCF-style: chr16-3299675-G-A.
Other names: c.383C>T, p.Ser128Phe (NM_001198536.2); short protein forms S339F, S128F.
Identifiers: ClinVar variation 36497 (VCV000036497.40), dbSNP rs104895157, ClinGen allele CA280241.
Genomic context (GRCh38, chr16:3,249,675, plus strand): 5'-TGGGAGTCCTGGCACCGGGGGCAGCCAGGTGAGCGGCTGCCTGAGGCCTGGGGGTGCCCA[G>A]AAACTGCCTCGGGGAAGCTGCAGGAATCACGCACACAGGTACCGTCAACTGGGTCTCCTT-3'
Protein context (NP_000234.1, residues 329-349): RDSCSFPEAV[Ser339Phe]GHPQASGSRS